The following is an entry in ClinVar:

NM_001276270.2(MBD4):c.1172A>G (p.Lys391Arg)

Gene: MBD4 (methyl-CpG binding domain 4, DNA glycosylase; minus strand). Cytogenetic location: 3q21.3.
Variant type: single nucleotide variant.
Coding change: c.1172A>G on transcript NM_001276270.2 (MANE Select); coding-DNA position 1172, A replaced by G.
Protein change: p.Lys391Arg; replaces lysine 391 with arginine.
Molecular consequence: missense variant. On other transcripts: intron variant (1).
Genome position (GRCh38, 1-based): chr3:129,436,472, T>C on the plus strand (A>G on the coding strand, the complement: MBD4 is on the minus strand). VCF-style: chr3-129436472-T-C. GRCh37 (hg19) VCF-style: chr3-129155315-T-C.
Other names: c.1172A>G, p.Lys391Arg (NM_001276271.2, NM_001276272.2, NM_003925.3); c.247+1336A>G (NM_001276273.2); short protein forms K391R.
Identifiers: ClinVar variation 3870907 (VCV003870907.2).

ClinVar aggregate classification (germline): Uncertain significance. Review status: criteria provided, multiple submitters, no conflicts (2 of 4 stars). 2 submissions from 2 submitters: Uncertain significance (2). Last evaluated 2025-10-29.

Conditions:
Inborn genetic diseases. Identifiers: MedGen C0950123, MeSH D030342.

gnomAD v4.1: 1 of 1,614,094 alleles (0.000062%); highest among the groups gnomAD compares: Non-Finnish European, 0.000085%; no homozygotes.

Submissions (2):

Labcorp Genetics (formerly Invitae), Labcorp
Classification: Uncertain significance. Last evaluated: 2025-10-29. Review status: criteria provided, single submitter. Criteria: Invitae Variant Classification Sherloc (09022015). Collection method: clinical testing. Allele origin: germline.
Comment: This sequence change replaces lysine, which is basic and polar, with arginine, which is basic and polar, at codon 391 of the MBD4 protein (p.Lys391Arg). This variant is not present in population databases (gnomAD no frequency). This variant has not been reported in the literature in individuals affected with MBD4-related conditions. ClinVar contains an entry for this variant (Variation ID: 3870907). An algorithm developed to predict the effect of missense changes on protein structure and function outputs the following: PolyPhen-2: "Benign". The arginine amino acid residue is found in multiple mammalian species, which suggests that this missense change does not adversely affect protein function. In summary, the available evidence is currently insufficient to determine the role of this variant in disease. Therefore, it has been classified as a Variant of Uncertain Significance.

Ambry Genetics
Classification: Uncertain significance for Inborn genetic diseases. Last evaluated: 2025-01-20. Review status: criteria provided, single submitter. Criteria: Ambry Variant Classification Scheme 2023. Collection method: clinical testing. Allele origin: germline.
Comment: The p.K391R variant (also known as c.1172A>G), located in coding exon 3 of the MBD4 gene, results from an A to G substitution at nucleotide position 1172. The lysine at codon 391 is replaced by arginine, an amino acid with highly similar properties. This amino acid position is conserved. In addition, this alteration is predicted to be tolerated by in silico analysis. Based on the available evidence, the clinical significance of this variant remains unclear.